The following is an entry in ClinVar:

ClinVar aggregate classification (germline): Uncertain significance (1 of 4 stars; one submission).

Allele frequency attached by ClinVar (database versions not stated): gnomAD exomes 0.00001; TOPMed 0.00001.
gnomAD v4.1: 5 of 1,614,182 alleles (0.00031%); highest among the groups gnomAD compares: African/African-American, 0.0013%; no homozygotes.

Submission:

Labcorp Genetics (formerly Invitae), Labcorp
Classification: Uncertain significance. Last evaluated: 2020-03-18. Review status: criteria provided, single submitter. Criteria: Invitae Variant Classification Sherloc (09022015). Collection method: clinical testing. Allele origin: germline.
Comment: In summary, the available evidence is currently insufficient to determine the role of this variant in disease. Therefore, it has been classified as a Variant of Uncertain Significance. Algorithms developed to predict the effect of missense changes on protein structure and function (SIFT, PolyPhen-2, Align-GVGD) all suggest that this variant is likely to be disruptive, but these predictions have not been confirmed by published functional studies and their clinical significance is uncertain. This variant has not been reported in the literature in individuals with SZT2-related conditions. This variant is not present in population databases (ExAC no frequency). This sequence change replaces proline with histidine at codon 3289 of the SZT2 protein (p.Pro3289His). The proline residue is highly conserved and there is a moderate physicochemical difference between proline and histidine.

NM_001365999.1(SZT2):c.10037C>A (p.Pro3346His)

Gene: SZT2 (SZT2 subunit of KICSTOR complex; plus strand). Cytogenetic location: 1p34.2.
Variant type: single nucleotide variant.
Coding change: c.10037C>A on transcript NM_001365999.1 (MANE Select); coding-DNA position 10037, C replaced by A.
Protein change: p.Pro3346His; replaces proline 3346 with histidine.
Molecular consequence: missense variant.
Genome position (GRCh38, 1-based): chr1:43,448,679, C>A. VCF-style: chr1-43448679-C-A. GRCh37 (hg19) VCF-style: chr1-43914350-C-A.
Other names: c.9866C>A, p.Pro3289His (NM_015284.4); short protein forms P3346H, P3289H.
Identifiers: ClinVar variation 1034531 (VCV001034531.6), dbSNP rs1486083296, ClinGen allele CA340046611.
Genomic context (GRCh38, chr1:43,448,679, plus strand): 5'-TCCTATCCATGACGGTCTCCTGGTACCAGAGCCTGATCAAAGTTCTCCTAAGCCGCTTCC[C>A]CCAGAGCTGTCGCCATTTCCAAAGCCCAGACTTGGGAACTCAGTACCTGGTAAGTCCCCT-3'
Protein context (NP_001352928.1, residues 3336-3356): SLIKVLLSRF[Pro3346His]QSCRHFQSPD